The following is an entry in ClinVar:

NM_004425.4(ECM1):c.18_22dup (p.Ala8fs)

Gene: ECM1 (extracellular matrix protein 1; plus strand). Cytogenetic location: 1q21.2.
Variant type: Duplication.
Coding change: c.18_22dup on transcript NM_004425.4 (MANE Select); coding-DNA positions 18 to 22, 5 bases duplicated (AGCAG; older notation c.18_22dupAGCAG).
Protein change: p.Ala8fs; shifts the reading frame from alanine 8.
Molecular consequence: frameshift variant.
Genome position (GRCh38, 1-based): chr1:150,508,227-150,508,231, AGCAG duplicated; duplicating any 5 consecutive bases within chr1:150,508,224-150,508,231 gives the same sequence; the c. name uses the placement nearest the transcript's 3' end. VCF-style (leftmost placement, unchanged base first): chr1-150508223-C-CCAGAG. GRCh37 (hg19) VCF-style: chr1-150480699-C-CCAGAG.
Other names: c.18_22dup, p.Ala8fs (NM_001202858.2, NM_022664.3); c.18_22dupAGCAG (NM_004425.4); short protein forms A8fs.
Identifiers: ClinVar variation 4688540 (VCV004688540.1).

ClinVar aggregate classification (germline): Pathogenic (1 of 4 stars; one submission).

Conditions:
Lipid proteinosis. Also called: HYALINOSIS CUTIS ET MUCOSAE; lipoid proteinosis; Lipoid Proteinosis of Urbach and Wiethe; Urbach Wiethe disease. Identifiers: Orphanet 530, MedGen C0023795, MONDO:0009530, OMIM 247100.

Submission:

Women's Health and Genetics/Laboratory Corporation of America, LabCorp
Classification: Pathogenic for Lipid proteinosis. Last evaluated: 2025-12-05. Review status: criteria provided, single submitter. Criteria: LabCorp Variant Classification Summary - May 2015. Collection method: clinical testing. Allele origin: germline.
Comment: Variant summary: ECM1 c.18_22dupAGCAG (p.Ala8GlufsX6) results in a premature termination codon, predicted to cause a truncation of the encoded protein or absence of the protein due to nonsense mediated decay, which are commonly known mechanisms for disease. The variant was absent in 251244 control chromosomes. To our knowledge, no occurrence of c.18_22dupAGCAG in individuals affected with ECM1-related conditions and no experimental evidence demonstrating its impact on protein function have been reported. No submitters have cited clinical-significance assessments for this variant to ClinVar. Based on the evidence outlined above, the variant was classified as pathogenic.